The following is an entry in ClinVar:

ClinVar aggregate classification (germline): Uncertain significance. Review status: criteria provided, multiple submitters, no conflicts (2 of 4 stars). 2 submissions from 2 submitters: Uncertain significance (2). Last evaluated 2024-12-29.

gnomAD v4.1: 1 of 1,614,214 alleles (0.000062%); highest among the groups gnomAD compares: Non-Finnish European, 0.000085%; no homozygotes.

Submissions (2):

GeneDx
Classification: Uncertain significance. Last evaluated: 2024-12-29. Review status: criteria provided, single submitter. Criteria: GeneDx Variant Classification Process June 2021. Collection method: clinical testing. Allele origin: germline. Affected: yes.
Comment: Not observed at significant frequency in large population cohorts (gnomAD); In silico analysis supports that this missense variant has a deleterious effect on protein structure/function; Has not been previously published as pathogenic or benign to our knowledge

Women's Health and Genetics/Laboratory Corporation of America, LabCorp
Classification: Uncertain significance. Last evaluated: 2024-04-14. Review status: criteria provided, single submitter. Criteria: LabCorp Variant Classification Summary - May 2015. Collection method: clinical testing. Allele origin: germline.

NM_002474.3(MYH11):c.435G>C (p.Lys145Asn)

Gene: MYH11 (myosin heavy chain 11; minus strand). Cytogenetic location: 16p13.11.
Variant type: single nucleotide variant.
Coding change: c.435G>C on transcript NM_002474.3 (MANE Select); coding-DNA position 435, G replaced by C.
Protein change: p.Lys145Asn; replaces lysine 145 with asparagine.
Molecular consequence: missense variant.
Genome position (GRCh38, 1-based): chr16:15,823,322, C>G on the plus strand (G>C on the coding strand, the complement: MYH11 is on the minus strand). VCF-style: chr16-15823322-C-G. GRCh37 (hg19) VCF-style: chr16-15917179-C-G.
Other names: c.435G>C, p.Lys145Asn (NM_001040113.2, NM_001040114.2, NM_022844.3); c.435G>C (NM_002474.2); short protein forms K145N.
Identifiers: ClinVar variation 3251300 (VCV003251300.2), dbSNP rs2043466136.